The following is an entry in ClinVar:

NM_018344.6(SLC29A3):c.1043C>T (p.Pro348Leu)

Gene: SLC29A3 (solute carrier family 29 member 3; plus strand). Cytogenetic location: 10q22.1.
Variant type: single nucleotide variant.
Coding change: c.1043C>T on transcript NM_018344.6 (MANE Select); coding-DNA position 1043, C replaced by T.
Protein change: p.Pro348Leu; replaces proline 348 with leucine.
Molecular consequence: missense variant. On other transcripts: non-coding transcript variant (2), 3 prime UTR variant (1).
Genome position (GRCh38, 1-based): chr10:71,362,223, C>T. VCF-style: chr10-71362223-C-T. GRCh37 (hg19) VCF-style: chr10-73121980-C-T.
Other names: c.*272C>T (NM_001174098.2); c.809C>T, p.Pro270Leu (NM_001363518.2); short protein forms P348L, P270L.
Identifiers: ClinVar variation 2757245 (VCV002757245.3), dbSNP rs2492505522, ClinGen allele CA377115856.

ClinVar aggregate classification (germline): Uncertain significance (1 of 4 stars; one submission).

Conditions:
H syndrome. Also called: FAISALABAD HISTIOCYTOSIS; HISTIOCYTOSIS AND LYMPHADENOPATHY WITH OR WITHOUT CUTANEOUS, CARDIAC, AND/OR ENDOCRINE FEATURES, JOINT CONTRACTURES, AND/OR DEAFNESS; HYPERPIGMENTATION, CUTANEOUS, WITH HYPERTRICHOSIS, HEPATOSPLENOMEGALY, HEART ANOMALIES, AND HYPOGONADISM WITH OR WITHOUT HEARING LOSS; PIGMENTED HYPERTRICHOSIS WITH INSULIN-DEPENDENT DIABETES MELLITUS; ROSAI-DORFMAN DISEASE, FAMILIAL; SINUS HISTIOCYTOSIS AND MASSIVE LYMPHADENOPATHY. Identifiers: Orphanet 168569, MedGen C1864445, MONDO:0011273, OMIM 602782.

Submission:

Labcorp Genetics (formerly Invitae), Labcorp
Classification: Uncertain significance for H syndrome. Last evaluated: 2023-09-06. Review status: criteria provided, single submitter. Criteria: Invitae Variant Classification Sherloc (09022015). Collection method: clinical testing. Allele origin: germline.
Comment: In summary, the available evidence is currently insufficient to determine the role of this variant in disease. Therefore, it has been classified as a Variant of Uncertain Significance. Advanced modeling of protein sequence and biophysical properties (such as structural, functional, and spatial information, amino acid conservation, physicochemical variation, residue mobility, and thermodynamic stability) performed at Invitae indicates that this missense variant is not expected to disrupt SLC29A3 protein function. This variant has not been reported in the literature in individuals affected with SLC29A3-related conditions. This variant is not present in population databases (gnomAD no frequency). This sequence change replaces proline, which is neutral and non-polar, with leucine, which is neutral and non-polar, at codon 348 of the SLC29A3 protein (p.Pro348Leu).